The following is an entry in ClinVar:

ClinVar aggregate classification (germline): Conflicting classifications of pathogenicity. Review status: criteria provided, conflicting classifications (1 of 4 stars). 2 submissions from 2 submitters: Uncertain significance (1); Likely benign (1). Last evaluated 2026-08-01.

Conditions:
Ehlers-Danlos syndrome, periodontal type 1. Identifiers: Orphanet 75392, MedGen C4551499, MONDO:0020684, OMIM 130080.

Allele frequency attached by ClinVar (database versions not stated): gnomAD exomes 0.00002; gnomAD 0.00003; TOPMed 0.00003.
gnomAD v4.1: 22 of 780,796 alleles (0.0028%); highest among the groups gnomAD compares: Non-Finnish European, 0.0043%; no homozygotes.

Submissions (2):

CeGaT Center for Human Genetics Tuebingen
Classification: Uncertain significance. Last evaluated: 2026-08-01. Review status: criteria provided, single submitter. Criteria: CeGaT Center For Human Genetics Tuebingen Variant Classification Criteria Version 2. Collection method: clinical testing. Allele origin: germline. Affected: yes. Observed: 1 variant allele.

Victorian Clinical Genetics Services, Murdoch Childrens Research Institute
Classification: Likely benign for Ehlers-Danlos syndrome, periodontal type 1. Last evaluated: 2022-06-24. Review status: criteria provided, single submitter. Criteria: ACMG Guidelines, 2015. Collection method: clinical testing. Allele origin: germline. Inheritance: Autosomal dominant inheritance.
Comment: Based on the classification scheme VCGS_Germline_v1.3.4, this variant is classified as Likely benign. Following criteria are met: 0101 - Gain of function is a known mechanism of disease in this gene and is associated with Ehlers-Danlos syndrome, periodontal type, 1 (MIM#130080) (PMID: 34324282). (I) 0107 - This gene is associated with autosomal dominant disease. (I) 0200 - Variant is predicted to result in a missense amino acid change from glutamic acid to glycine. (I) 0251 - This variant is heterozygous. (I) 0308 - Population frequency for this variant is out of keeping with known incidence of Ehlers-Danlos syndrome, periodontal type, 1 (MIM#130080). (SB) 0502 - Missense variant with conflicting in silico predictions and uninformative conservation. (I) 0604 - Variant is not located in an established domain, motif, hotspot or informative constraint region. (I) 0705 - No comparable missense variants have previous evidence for pathogenicity. (I) 0807 - This variant has no previous evidence of pathogenicity. (I) 0905 - No published segregation evidence has been identified for this variant. (I) 1007 - No published functional evidence has been identified for this variant. (I) 1208 - Inheritance information for this variant is not currently available in this individual. (I) Legend: (SP) - Supporting pathogenic, (I) - Information, (SB) - Supporting benign

Literature cited by the submitters: PubMed 34324282 (cited by Victorian Clinical Genetics Services, Murdoch Childrens Research Institute).

NM_001733.7(C1R):c.542A>G (p.Glu181Gly)

Gene: C1R (complement C1r; minus strand). Cytogenetic location: 12p13.31.
Variant type: single nucleotide variant.
Coding change: c.542A>G on transcript NM_001733.7 (MANE Select); coding-DNA position 542, A replaced by G.
Protein change: p.Glu181Gly; replaces glutamic acid 181 with glycine.
Molecular consequence: missense variant.
Genome position (GRCh38, 1-based): chr12:7,089,616, T>C on the plus strand (A>G on the coding strand, the complement: C1R is on the minus strand). VCF-style: chr12-7089616-T-C. GRCh37 (hg19) VCF-style: chr12-7242212-T-C.
Other names: c.584A>G, p.Glu195Gly (NM_001354346.2); short protein forms E181G, E195G.
Identifiers: ClinVar variation 1805394 (VCV001805394.3), dbSNP rs916076749, ClinGen allele CA232468268.